The following is an entry in ClinVar:

ClinVar aggregate classification (germline): Pathogenic/Likely pathogenic. Review status: criteria provided, multiple submitters, no conflicts (2 of 4 stars). 5 submissions from 5 submitters: Pathogenic (1); Likely pathogenic (4). Last evaluated 2026-03-23.

Conditions:
Neurofibromatosis, type 1 (NF1). Also called: Neurofibromatosis, type I; NEUROFIBROMATOSIS, TYPE I, SOMATIC; Peripheral type neurofibromatosis; VON RECKLINGHAUSEN DISEASE. Identifiers: Orphanet 636, MedGen C0027831, MONDO:0018975, OMIM 162200. Disease mechanism: loss of function.

Submissions (5):

Myriad Genetics, Inc.
Classification: Likely pathogenic for Neurofibromatosis, type 1. Last evaluated: 2026-03-23. Review status: criteria provided, single submitter. Criteria: Myriad Autosomal Dominant, Autosomal Recessive and X-Linked Classification Criteria (2023). Collection method: clinical testing. Allele origin: unknown.
Comment: This variant is considered likely pathogenic. mRNA analysis has demonstrated abnormal mRNA splicing occurs [PMID: 32126153]. This variant has been reported in multiple individuals with clinical features of gene-specific disease [PMID: 31717729, 32126153; external communications 2026].

Labcorp Genetics (formerly Invitae), Labcorp
Classification: Likely pathogenic for Neurofibromatosis, type 1. Last evaluated: 2024-01-15. Review status: criteria provided, single submitter. Criteria: Invitae Variant Classification Sherloc (09022015). Collection method: clinical testing. Allele origin: germline.
Comment: This sequence change falls in intron 36 of the NF1 gene. It does not directly change the encoded amino acid sequence of the NF1 protein. This variant is not present in population databases (gnomAD no frequency). This variant has been observed in individual(s) with neurofibromatosis type 1 (PMID: 21520333, 32126153; Invitae). It has also been observed to segregate with disease in related individuals. ClinVar contains an entry for this variant (Variation ID: 649676). Algorithms developed to predict the effect of sequence changes on RNA splicing suggest that this variant may disrupt the consensus splice site. In summary, the currently available evidence indicates that the variant is pathogenic, but additional data are needed to prove that conclusively. Therefore, this variant has been classified as Likely Pathogenic.

Eurofins-Biomnis
Classification: Likely pathogenic for Neurofibromatosis, type 1. Last evaluated: 2022-11-03. Review status: criteria provided, single submitter. Criteria: Accession Criteria ClinVar Biomnis. Collection method: clinical testing. Allele origin: de novo. Affected: yes. Observed: 1 heterozygote.

UAB Medical Genomics Laboratory, UAB Medicine
Classification: Pathogenic for Neurofibromatosis, type 1. Last evaluated: 2020-01-20. Review status: criteria provided, single submitter. Criteria: ACMG Guidelines, 2015. Collection method: clinical testing. Allele origin: germline. Affected: yes.

Juno Genomics, Hangzhou Juno Genomics, Inc
Classification: Likely pathogenic for Neurofibromatosis, type 1. Review status: criteria provided, single submitter. Criteria: ACMG Guidelines, 2015. Collection method: clinical testing. Allele origin: germline. Affected: yes.
Comment: Absent from controls (or at extremely low frequency if recessive) in Genome Aggregation Database, Exome Sequencing Project, 1000 Genomes Project, or Exome Aggregation Consortium.;Multiple lines of computational evidence support a deleterious effect on the gene or gene product (conservation, evolutionary, splicing impact, etc).;The prevalence of the variant in affected individuals is significantly increased compared to the prevalence in controls.;Assumed de novo, but without confirmation of paternity and maternity.;Patient's phenotype or family history is highly specific for a disease with a single genetic etiology.

Literature cited by the submitters: PubMed 32126153 (cited by 3 submitters); PubMed 31717729 (cited by Myriad Genetics, Inc.); PubMed 21520333 (cited by Labcorp Genetics (formerly Invitae), Labcorp).

NM_001042492.3(NF1):c.5269-8C>G

Gene: NF1 (neurofibromin 1; plus strand). Cytogenetic location: 17q11.2.
Variant type: single nucleotide variant.
Coding change: c.5269-8C>G on transcript NM_001042492.3 (MANE Select); 8 bases into the intron before coding-DNA position 5269, C replaced by G.
Molecular consequence: intron variant.
Genome position (GRCh38, 1-based): chr17:31,327,491, C>G. VCF-style: chr17-31327491-C-G. GRCh37 (hg19) VCF-style: chr17-29654509-C-G.
Other names: c.5206-8C>G (NM_000267.4).
Identifiers: ClinVar variation 649676 (VCV000649676.11), dbSNP rs1597831805, ClinGen allele CA915949813.
Genomic context (GRCh38, chr17:31,327,491, plus strand): 5'-GCCTTTTAGAATTTTATGTAAAAGAGTTTAATTCTTCTCCACTTCACCCCGTCACCACCA[C>G]TTTCCAGGTTGGTTCTACTGCTGTCCAAGTAACTTCAGCAGAGCGAACAAAAGTCCTAGG-3'